The following is an entry in ClinVar:

NM_002272.4(KRT4):c.1386G>A (p.Val462=)

Gene: KRT4 (keratin 4; minus strand). Cytogenetic location: 12q13.13.
Variant type: single nucleotide variant.
Coding change: c.1386G>A on transcript NM_002272.4 (MANE Select); coding-DNA position 1386, G replaced by A.
Protein change: p.Val462=; no amino-acid change (valine 462 retained).
Molecular consequence: synonymous variant.
Genome position (GRCh38, 1-based): chr12:52,807,246, C>T on the plus strand (G>A on the coding strand, the complement: KRT4 is on the minus strand). VCF-style: chr12-52807246-C-T. GRCh37 (hg19) VCF-style: chr12-53201030-C-T.
Identifiers: ClinVar variation 882763 (VCV000882763.4), dbSNP rs373947229, ClinGen allele CA6588386.

ClinVar aggregate classification (germline): Likely benign (1 of 4 stars; one submission).

Conditions:
White sponge nevus 1. Also called: LEUKOKERATOSIS, HEREDITARY MUCOSAL. Identifiers: MedGen C4011926, MONDO:0008676, OMIM 193900.

Allele frequency attached by ClinVar (database versions not stated): gnomAD exomes 0.00004 and 0.00009; ExAC 0.00007; ESP Exome Variant Server 0.00008; gnomAD 0.00009 and 0.00010; TOPMed 0.00010.
gnomAD v4.1: 139 of 1,614,056 alleles (0.0086%); highest among the groups gnomAD compares: Non-Finnish European, 0.011%; no homozygotes.

Submission:

Illumina Laboratory Services, Illumina
Classification: Likely benign for White sponge nevus 1. Last evaluated: 2018-01-12. Review status: criteria provided, single submitter. Criteria: ICSL Variant Classification Criteria 13 December 2019. Collection method: clinical testing. Allele origin: germline.
Comment: This variant was observed in the ICSL laboratory as part of a predisposition screen in an ostensibly healthy population. It had not been previously curated by ICSL or reported in the Human Gene Mutation Database (HGMD: prior to June 1st, 2018), and was therefore a candidate for classification through an automated scoring system. Utilizing variant allele frequency, disease prevalence and penetrance estimates, and inheritance mode, an automated score was calculated to assess if this variant is too frequent to cause the disease. Based on the score and internal cut-off values, a variant classified as likely benign is not then subjected to further curation. The score for this variant resulted in a classification of likely benign for this disease.